The following is an entry in ClinVar:

NM_000327.4(ROM1):c.710C>G (p.Pro237Arg)

Gene: ROM1 (retinal outer segment membrane protein 1; plus strand). Cytogenetic location: 11q12.3.
Variant type: single nucleotide variant.
Coding change: c.710C>G on transcript NM_000327.4 (MANE Select); coding-DNA position 710, C replaced by G.
Protein change: p.Pro237Arg; replaces proline 237 with arginine.
Molecular consequence: missense variant.
Genome position (GRCh38, 1-based): chr11:62,614,377, C>G. VCF-style: chr11-62614377-C-G. GRCh37 (hg19) VCF-style: chr11-62381849-C-G.
Other names: short protein forms P237R.
Identifiers: ClinVar variation 938439 (VCV000938439.8), dbSNP rs374111556, ClinGen allele CA6049816.
Genomic context (GRCh38, chr11:62,614,377, plus strand): 5'-GCAACCCCCACTCACCCCGGCCTTGCCTGCAAAACCGTCTTTCAGACTCCTACGCCCACC[C>G]CCTGTTCGATCCCCGACAACCCAACCAAAACCTCTGGGCCCAAGGGTGCCATGAGGTGCT-3'
Protein context (NP_000318.2, residues 227-247): QNRLSDSYAH[Pro237Arg]LFDPRQPNQN

ClinVar aggregate classification (germline): Uncertain significance. Review status: criteria provided, multiple submitters, no conflicts (2 of 4 stars). 2 submissions from 2 submitters: Uncertain significance (2). Last evaluated 2025-08-14.

Allele frequency attached by ClinVar (database versions not stated): gnomAD 0.00003 and 0.00004; TOPMed 0.00004; ESP Exome Variant Server 0.00008.

Submissions (2):

Labcorp Genetics (formerly Invitae), Labcorp
Classification: Uncertain significance. Last evaluated: 2025-08-14. Review status: criteria provided, single submitter. Criteria: Invitae Variant Classification Sherloc (09022015). Collection method: clinical testing. Allele origin: germline.
Comment: This sequence change replaces proline, which is neutral and non-polar, with arginine, which is basic and polar, at codon 237 of the ROM1 protein (p.Pro237Arg). This variant is present in population databases (rs374111556, gnomAD 0.008%). This variant has not been reported in the literature in individuals affected with ROM1-related conditions. ClinVar contains an entry for this variant (Variation ID: 938439). Invitae Evidence Modeling of protein sequence and biophysical properties (such as structural, functional, and spatial information, amino acid conservation, physicochemical variation, residue mobility, and thermodynamic stability) indicates that this missense variant is not expected to disrupt ROM1 protein function with a negative predictive value of 80%. In summary, the available evidence is currently insufficient to determine the role of this variant in disease. Therefore, it has been classified as a Variant of Uncertain Significance.

Blueprint Genetics
Classification: Uncertain significance. Last evaluated: 2024-04-24. Review status: criteria provided, single submitter. Criteria: ACMG Guidelines, 2015. Collection method: clinical testing. Allele origin: germline.